The following is an entry in ClinVar:

NM_000075.4(CDK4):c.812T>C (p.Leu271Pro)

Genes: CDK4 (cyclin dependent kinase 4; minus strand), TSPAN31 (tetraspanin 31; plus strand). Cytogenetic location: 12q14.1.
Variant type: single nucleotide variant.
Coding change: c.812T>C on transcript NM_000075.4 (MANE Select); coding-DNA position 812, T replaced by C.
Protein change: p.Leu271Pro; replaces leucine 271 with proline.
Molecular consequence: missense variant. On other transcripts: 3 prime UTR variant (3).
Genome position (GRCh38, 1-based): chr12:57,749,189, A>G on the plus strand (T>C on the coding strand, the complement: CDK4 is on the minus strand). VCF-style: chr12-57749189-A-G. GRCh37 (hg19) VCF-style: chr12-58142972-A-G.
Other names: c.*1899A>G (NM_001330168.2, NM_001330169.2, NM_005981.5); short protein forms L271P.
Identifiers: ClinVar variation 3637625 (VCV003637625.2).

ClinVar aggregate classification (germline): Uncertain significance (1 of 4 stars; one submission).

Conditions:
Familial melanoma. Also called: Hereditary melanoma; Hereditary cutaneous melanoma. Identifiers: Orphanet 618, MedGen C1512419, MONDO:0018961.

Submission:

Labcorp Genetics (formerly Invitae), Labcorp
Classification: Uncertain significance for Familial melanoma. Last evaluated: 2025-01-23. Review status: criteria provided, single submitter. Criteria: Invitae Variant Classification Sherloc (09022015). Collection method: clinical testing. Allele origin: germline.
Comment: This sequence change replaces leucine, which is neutral and non-polar, with proline, which is neutral and non-polar, at codon 271 of the CDK4 protein (p.Leu271Pro). This variant is not present in population databases (gnomAD no frequency). This variant has not been reported in the literature in individuals affected with CDK4-related conditions. Invitae Evidence Modeling of protein sequence and biophysical properties (such as structural, functional, and spatial information, amino acid conservation, physicochemical variation, residue mobility, and thermodynamic stability) indicates that this missense variant is expected to disrupt CDK4 protein function with a positive predictive value of 95%. In summary, the available evidence is currently insufficient to determine the role of this variant in disease. Therefore, it has been classified as a Variant of Uncertain Significance.